The following is an entry in ClinVar:

NM_001110556.2(FLNA):c.2032C>T (p.Arg678Cys)

Gene: FLNA (filamin A; minus strand). Cytogenetic location: Xq28.
Variant type: single nucleotide variant.
Coding change: c.2032C>T on transcript NM_001110556.2 (MANE Select); coding-DNA position 2032, C replaced by T.
Protein change: p.Arg678Cys; replaces arginine 678 with cysteine.
Molecular consequence: missense variant.
Genome position (GRCh38, 1-based): chrX:154,364,363, G>A on the plus strand (C>T on the coding strand, the complement: FLNA is on the minus strand). VCF-style: chrX-154364363-G-A. GRCh37 (hg19) VCF-style: chrX-153592731-G-A.
Other names: c.2032C>T, p.Arg678Cys (NM_001456.4); c.2032C>T (NM_001110556.1); short protein forms R678C.
Identifiers: ClinVar variation 432883 (VCV000432883.12), dbSNP rs1380007907, ClinGen allele CA415239095.

ClinVar aggregate classification (germline): Conflicting classifications of pathogenicity. Review status: criteria provided, conflicting classifications (1 of 4 stars). 3 submissions from 3 submitters: Uncertain significance (2); Benign (1). Last evaluated 2024-10-19.

Conditions:
Heterotopia, periventricular, X-linked dominant (PVNH1). Also called: PERIVENTRICULAR NODULAR HETEROTOPIA 4; HETEROTOPIA, PERIVENTRICULAR, 1; PERIVENTRICULAR NODULAR HETEROTOPIA 1; X-linked periventricular heterotopia. Identifiers: Orphanet 2149, Orphanet 82004, MedGen C1848213, MONDO:0010233, OMIM 300049.
Oto-palato-digital syndrome, type II (OPD2). Also called: Otopalatodigital Syndrome, Type II; Otopalatodigital Syndrome Type 2 (FLNA-OPD2); FACIOPALATOOSSEOUS SYNDROME; OPD II SYNDROME. Identifiers: Orphanet 669, Orphanet 90652, MedGen C1844696, MONDO:0010571, OMIM 304120.
Frontometaphyseal dysplasia (FMD1). Identifiers: Orphanet 1826, MedGen C0265293, MONDO:0015942.
Melnick-Needles syndrome (MNS). Also called: Melnick-Needles Syndrome (FLNA-MNS); MELNICK-NEEDLES OSTEODYSPLASTY; OSTEODYSPLASTY OF MELNICK AND NEEDLES. Identifiers: Orphanet 2484, MedGen C0025237, MONDO:0010650, OMIM 309350.
FLNA-related disorder.

Allele frequency attached by ClinVar (database versions not stated): gnomAD exomes below 0.00001 and 0.00001; gnomAD 0.00002; TOPMed 0.00002.

Submissions (3):

Labcorp Genetics (formerly Invitae), Labcorp
Classification: Benign for Oto-palato-digital syndrome, type II; Heterotopia, periventricular, X-linked dominant; Frontometaphyseal dysplasia; Melnick-Needles syndrome. Last evaluated: 2024-10-19. Review status: criteria provided, single submitter. Criteria: Invitae Variant Classification Sherloc (09022015). Collection method: clinical testing. Allele origin: germline.

GeneDx
Classification: Uncertain significance. Last evaluated: 2024-07-31. Review status: criteria provided, single submitter. Criteria: GeneDx Variant Classification Process June 2021. Collection method: clinical testing. Allele origin: germline. Affected: yes.
Comment: In silico analysis indicates that this missense variant does not alter protein structure/function; Has not been previously published as pathogenic or benign to our knowledge

PreventionGenetics, part of Exact Sciences
Classification: Uncertain significance for FLNA-related condition. Last evaluated: 2022-09-27. Review status: criteria provided, single submitter. Criteria: ACMG Guidelines, 2015. Collection method: clinical testing. Allele origin: germline.
Comment: The FLNA c.2032C>T variant is predicted to result in the amino acid substitution p.Arg678Cys. To our knowledge, this variant has not been reported in the literature. This variant is reported in 0.0073% of alleles in individuals of Latino descent in gnomAD. At this time, the clinical significance of this variant is uncertain due to the absence of conclusive functional and genetic evidence.